The following is an entry in ClinVar:

NM_005732.4(RAD50):c.3833G>A (p.Gly1278Glu)

Genes: RAD50 (RAD50 double strand break repair protein; plus strand), TH2LCRR (T helper type 2 locus control region associated RNA; minus strand). Cytogenetic location: 5q31.1.
Variant type: single nucleotide variant.
Coding change: c.3833G>A on transcript NM_005732.4 (MANE Select); coding-DNA position 3833, G replaced by A.
Protein change: p.Gly1278Glu; replaces glycine 1278 with glutamic acid.
Molecular consequence: missense variant. On other transcripts: non-coding transcript variant (1).
Genome position (GRCh38, 1-based): chr5:132,642,258, G>A. VCF-style: chr5-132642258-G-A. GRCh37 (hg19) VCF-style: chr5-131977950-G-A.
Other names: short protein forms G1278E.
Identifiers: ClinVar variation 2115926 (VCV002115926.4), dbSNP rs2149866947, ClinGen allele CA360936755.
Genomic context (GRCh38, chr5:132,642,258, plus strand): 5'-AGCAGCGTAACTTCCAGCTTCTGGTAATCACTCATGATGAAGATTTTGTGGAGCTTTTAG[G>A]ACGTTCTGAATATGTGGAGAAATTCTACAGGATTAAAAAGAACATCGATCAGTGCTCAGA-3'
Protein context (NP_005723.2, residues 1268-1288): THDEDFVELL[Gly1278Glu]RSEYVEKFYR

ClinVar aggregate classification (germline): Uncertain significance (1 of 4 stars; one submission).

Conditions:
Hereditary cancer-predisposing syndrome. Also called: Neoplastic Syndromes, Hereditary; Tumor predisposition; Hereditary Cancer Syndrome; Hereditary neoplastic syndrome. Identifiers: Orphanet 140162, MedGen C0027672, MeSH D009386, MONDO:0015356.

Submission:

Labcorp Genetics (formerly Invitae), Labcorp
Classification: Uncertain significance for Hereditary cancer-predisposing syndrome. Last evaluated: 2023-09-09. Review status: criteria provided, single submitter. Criteria: Invitae Variant Classification Sherloc (09022015). Collection method: clinical testing. Allele origin: germline.
Comment: ClinVar contains an entry for this variant (Variation ID: 2115926). This variant has not been reported in the literature in individuals affected with RAD50-related conditions. This variant is not present in population databases (gnomAD no frequency). This sequence change replaces glycine, which is neutral and non-polar, with glutamic acid, which is acidic and polar, at codon 1278 of the RAD50 protein (p.Gly1278Glu). Advanced modeling of protein sequence and biophysical properties (such as structural, functional, and spatial information, amino acid conservation, physicochemical variation, residue mobility, and thermodynamic stability) performed at Invitae indicates that this missense variant is expected to disrupt RAD50 protein function. In summary, the available evidence is currently insufficient to determine the role of this variant in disease. Therefore, it has been classified as a Variant of Uncertain Significance.